The following is an entry in ClinVar:

ClinVar aggregate classification (germline): Conflicting classifications of pathogenicity. Review status: criteria provided, conflicting classifications (1 of 4 stars). 5 submissions from 4 submitters: Pathogenic (1); Uncertain significance (4). Last evaluated 2023-11-04.

Conditions:
USH2A-related disorder. Also called: USH2A-related condition; USH2A-related disorders. Identifiers: MedGen CN239332.
Retinitis pigmentosa 39 (RP39). Identifiers: Orphanet 791, MedGen C3151138, MONDO:0013436, OMIM 613809.
Usher syndrome type 2A. Also called: RETINAL DISEASE IN USHER SYNDROME TYPE IIA, MODIFIER OF; USHER SYNDROME, TYPE IIA. Identifiers: Orphanet 231178, Orphanet 886, MedGen C1848634, MONDO:0010169, OMIM 276901.
Hearing impairment. Also called: Impaired Hearing. Identifiers: MedGen C1384666, MONDO:0005365, HP:0000365.

Allele frequency attached by ClinVar (database versions not stated): TOPMed below 0.00001.
gnomAD v4.1: 2 of 1,612,596 alleles (0.00012%); highest among the groups gnomAD compares: Non-Finnish European, 0.00017%; no homozygotes.

Submissions (5):

Genome-Nilou Lab
Classification: Uncertain significance for Retinitis pigmentosa 39. Last evaluated: 2023-11-04. Review status: criteria provided, single submitter. Criteria: ACMG Guidelines, 2015. Collection method: clinical testing. Allele origin: germline. Affected: no.

Genome-Nilou Lab
Classification: Uncertain significance for Usher syndrome type 2A. Last evaluated: 2023-11-04. Review status: criteria provided, single submitter. Criteria: ACMG Guidelines, 2015. Collection method: clinical testing. Allele origin: germline. Affected: no.

Labcorp Genetics (formerly Invitae), Labcorp
Classification: Uncertain significance. Last evaluated: 2022-10-30. Review status: criteria provided, single submitter. Criteria: Invitae Variant Classification Sherloc (09022015). Collection method: clinical testing. Allele origin: germline.
Comment: This sequence change replaces glycine, which is neutral and non-polar, with alanine, which is neutral and non-polar, at codon 3138 of the USH2A protein (p.Gly3138Ala). This variant is not present in population databases (gnomAD no frequency). This missense change has been observed in individual(s) with retinitis pigmentosa (PMID: 28559085). ClinVar contains an entry for this variant (Variation ID: 866347). Advanced modeling of protein sequence and biophysical properties (such as structural, functional, and spatial information, amino acid conservation, physicochemical variation, residue mobility, and thermodynamic stability) performed at Invitae indicates that this missense variant is expected to disrupt USH2A protein function. In summary, the available evidence is currently insufficient to determine the role of this variant in disease. Therefore, it has been classified as a Variant of Uncertain Significance.

Blueprint Genetics
Classification: Pathogenic for USH2A-related disorders. Last evaluated: 2022-02-15. Review status: criteria provided, single submitter. Criteria: ACMG Guidelines, 2015. Collection method: clinical testing. Allele origin: germline. Affected: yes. Observed: 5 variant alleles.

Department of Otolaryngology – Head & Neck Surgery, Cochlear Implant Center
Classification: Uncertain significance for Hearing impairment. Last evaluated: 2021-04-12. Review status: criteria provided, single submitter. Criteria: ClinGen HL ACMG Specifications v1. Collection method: clinical testing. Allele origin: germline. Affected: yes.
Comment: PM2_Moderate, PP3_Supporting

Literature cited by the submitters: PubMed 28559085 (cited by Labcorp Genetics (formerly Invitae), Labcorp).

NM_206933.4(USH2A):c.9413G>C (p.Gly3138Ala)

Gene: USH2A (usherin; minus strand). Cytogenetic location: 1q41.
Variant type: single nucleotide variant.
Coding change: c.9413G>C on transcript NM_206933.4 (MANE Select); coding-DNA position 9413, G replaced by C.
Protein change: p.Gly3138Ala; replaces glycine 3138 with alanine.
Molecular consequence: missense variant.
Genome position (GRCh38, 1-based): chr1:215,817,154, C>G on the plus strand (G>C on the coding strand, the complement: USH2A is on the minus strand). VCF-style: chr1-215817154-C-G. GRCh37 (hg19) VCF-style: chr1-215990496-C-G.
Other names: short protein forms G3138A.
Identifiers: ClinVar variation 866347 (VCV000866347.8), dbSNP rs756163056, ClinGen allele CA344825273.